The following is an entry in ClinVar:

ClinVar aggregate classification (germline): Benign/Likely benign. Review status: criteria provided, multiple submitters, no conflicts (2 of 4 stars). 2 submissions from 2 submitters: Benign (1); Likely benign (1). Last evaluated 2026-09-01.

Allele frequency attached by ClinVar (database versions not stated): gnomAD 0.00338 and 0.00342; ExAC 0.00391; gnomAD exomes 0.00433 and 0.00333; 1000 Genomes Project 30x 0.00078; 1000 Genomes Project 0.00080; ESP Exome Variant Server 0.00322; TOPMed 0.00333.
gnomAD v4.1: 6,630 of 1,582,720 alleles (0.42%); highest among the groups gnomAD compares: Non-Finnish European, 0.49%; 17 homozygotes.

Submissions (2):

CeGaT Center for Human Genetics Tuebingen
Classification: Likely benign. Last evaluated: 2026-09-01. Review status: criteria provided, single submitter. Criteria: CeGaT Center For Human Genetics Tuebingen Variant Classification Criteria Version 2. Collection method: clinical testing. Allele origin: germline. Affected: yes. Observed: 5 variant alleles.
Comment: MUC5B: BP4, BS2

Labcorp Genetics (formerly Invitae), Labcorp
Classification: Benign. Last evaluated: 2019-12-31. Review status: criteria provided, single submitter. Criteria: Invitae Variant Classification Sherloc (09022015). Collection method: clinical testing. Allele origin: germline.

NM_002458.3(MUC5B):c.977-5C>T

Gene: MUC5B (mucin 5B, oligomeric mucus/gel-forming; plus strand). Cytogenetic location: 11p15.5.
Variant type: single nucleotide variant.
Coding change: c.977-5C>T on transcript NM_002458.3 (MANE Select); 5 bases into the intron before coding-DNA position 977, C replaced by T.
Molecular consequence: intron variant.
Genome position (GRCh38, 1-based): chr11:1,229,165, C>T. VCF-style: chr11-1229165-C-T. GRCh37 (hg19) VCF-style: chr11-1250395-C-T.
Identifiers: ClinVar variation 718453 (VCV000718453.28), dbSNP rs56325034, ClinGen allele CA5804135.